The following is an entry in ClinVar:

ClinVar aggregate classification (germline): Pathogenic/Likely pathogenic. Review status: criteria provided, multiple submitters, no conflicts (2 of 4 stars). 8 submissions from 8 submitters: Pathogenic (4); Likely pathogenic (3). 1 of the submissions does not count toward it. Last evaluated 2025-07-02.

Conditions:
NEB-related disorder. Also called: NEB-Related Disorders; NEB-related condition.
Inborn genetic diseases. Identifiers: MedGen C0950123, MeSH D030342.
Nemaline myopathy. Also called: Myopathies, Nemaline. Identifiers: Orphanet 607, MedGen C0206157, MONDO:0018958.
Nemaline myopathy 2 (NEM2). Also called: Nemaline myopathy 2, autosomal recessive. Identifiers: MedGen C1850569, MONDO:0009725, OMIM 256030.
Arthrogryposis multiplex congenita 6. Identifiers: MedGen C5543431, MONDO:0030281, OMIM 619334.

Allele frequency attached by ClinVar (database versions not stated): gnomAD exomes below 0.00001 and 0.00001; ExAC 0.00001; TOPMed 0.00001; gnomAD 0.00003.
gnomAD v4.1: 10 of 1,612,446 alleles (0.00062%); highest among the groups gnomAD compares: East Asian, 0.0022%; no homozygotes.

Submissions (8):

Natera, Inc.
Classification: Likely pathogenic for Nemaline myopathy type 2. Last evaluated: 2025-07-02. Review status: criteria provided, single submitter. Criteria: Natera Variant Classification Schema (03/2026). Collection method: clinical testing. Allele origin: germline.
Comment: The c.20659C>T variant in NEB is a nonsense variant predicted to introduce a stop codon at amino acid 6887. This variant is expected to result in nonsense mediated decay, truncation, or a dysfunctional protein product. This variant is rare in the general population with a frequency below the threshold expected for the associated phenotype(s). Given the available evidence, this variant is classified as Likely Pathogenic.

Blueprint Genetics
Classification: Likely pathogenic for NEB-related disorders. Last evaluated: 2024-09-02. Review status: criteria provided, single submitter. Criteria: ACMG Guidelines, 2015. Collection method: clinical testing. Allele origin: germline. Affected: yes. Observed: 3 variant alleles.

Baylor Genetics
Classification: Pathogenic for Arthrogryposis multiplex congenita 6. Last evaluated: 2023-09-07. Review status: criteria provided, single submitter. Criteria: ACMG Guidelines, 2015. Collection method: clinical testing. Allele origin: unknown.

GeneDx
Classification: Pathogenic. Last evaluated: 2023-08-29. Review status: criteria provided, single submitter. Criteria: GeneDx Variant Classification Process June 2021. Collection method: clinical testing. Allele origin: germline. Affected: yes.
Comment: Reported previously with another NEB variant (phase unknown) in an family with severe nemaline myopathy (Lehtokari et al., 2014); Nonsense variant predicted to result in protein truncation or nonsense mediated decay in a gene for which loss of function is a known mechanism of disease; Not observed at significant frequency in large population cohorts (gnomAD); This variant is associated with the following publications: (PMID: 31589614, 30467404, 25205138)

Ambry Genetics
Classification: Pathogenic for Inborn genetic diseases. Last evaluated: 2023-03-22. Review status: criteria provided, single submitter. Criteria: Ambry Variant Classification Scheme 2023. Collection method: clinical testing. Allele origin: germline.
Comment: The c.15556C>T (p.R5186*) alteration, located in exon 109 (coding exon 107) of the NEB gene, consists of a C to T substitution at nucleotide position 15556. This changes the amino acid from an arginine (R) to a stop codon at amino acid position 5186. This alteration is expected to result in loss of function by premature protein truncation or nonsense-mediated mRNA decay. Based on data from gnomAD, the T allele has an overall frequency of 0.001% (2/279302) total alleles studied. The highest observed frequency was 0.005% (1/19474) of East Asian alleles. Based on the available evidence, this alteration is classified as pathogenic.

Labcorp Genetics (formerly Invitae), Labcorp
Classification: Pathogenic for Nemaline myopathy 2. Last evaluated: 2022-02-24. Review status: criteria provided, single submitter. Criteria: Invitae Variant Classification Sherloc (09022015). Collection method: clinical testing. Allele origin: germline.
Comment: For these reasons, this variant has been classified as Pathogenic. Algorithms developed to predict the effect of sequence changes on RNA splicing suggest that this variant may disrupt the consensus splice site. ClinVar contains an entry for this variant (Variation ID: 557888). This premature translational stop signal has been observed in individual(s) with nemaline myopathy (PMID: 25205138). This variant is present in population databases (rs749452641, gnomAD 0.005%). This sequence change creates a premature translational stop signal (p.Arg6887*) in the NEB gene. It is expected to result in an absent or disrupted protein product. Loss-of-function variants in NEB are known to be pathogenic (PMID: 25205138).

Women's Health and Genetics/Laboratory Corporation of America, LabCorp
Classification: Likely pathogenic for Nemaline myopathy. Last evaluated: 2019-01-14. Review status: criteria provided, single submitter. Criteria: LabCorp Variant Classification Summary - May 2015. Collection method: clinical testing. Allele origin: germline.
Comment: Variant summary: NEB c.20659C>T (p.Arg6887X) results in a premature termination codon, predicted to cause a truncation of the encoded protein or absence of the protein due to nonsense mediated decay, which are commonly known mechanisms for disease. Truncations downstream of this position have been classified as pathogenic by our laboratory (e.g. c.21076C>T (p.Arg7026X), c.24407_24410dupTGTT (p.Leu8137fsX18), c.24559C>T (p.Arg8187X)). The variant allele was found at a frequency of 7.2e-06 in 275868 control chromosomes (gnomAD). c.20659C>T has been reported in the literature in a family affected with Nemaline Myopathy 2 (Lehtokari 2014). To our knowledge, no experimental evidence demonstrating an impact on protein function has been reported. One clinical diagnostic laboratory has submitted clinical-significance assessments for this variant to ClinVar after 2014 without evidence for independent evaluation, and classified the variant as likely pathogenic. Based on the evidence outlined above, the variant was classified as likely pathogenic.

Counsyl
Classification: Likely pathogenic for Nemaline myopathy 2. Last evaluated: 2018-04-17. Review status: no assertion criteria provided. Collection method: clinical testing. Allele origin: unknown. Not counted in ClinVar's aggregate classification.

Literature cited by the submitters: PubMed 25205138 (cited by Labcorp Genetics (formerly Invitae), Labcorp and Counsyl).

NM_001164508.2(NEB):c.20659C>T (p.Arg6887Ter)

Gene: NEB (nebulin; minus strand). Cytogenetic location: 2q23.3.
Variant type: single nucleotide variant.
Coding change: c.20659C>T on transcript NM_001164508.2 (MANE Select); coding-DNA position 20659, C replaced by T.
Protein change: p.Arg6887Ter; replaces arginine 6887 with a stop codon.
Molecular consequence: nonsense.
Genome position (GRCh38, 1-based): chr2:151,541,470, G>A on the plus strand (C>T on the coding strand, the complement: NEB is on the minus strand). VCF-style: chr2-151541470-G-A. GRCh37 (hg19) VCF-style: chr2-152397984-G-A.
Other names: c.20659C>T, p.Arg6887Ter (NM_001164507.2, NM_001271208.2); c.15556C>T, p.Arg5186Ter (NM_004543.5); c.15556C>T (NM_004543.4); short protein forms R6887*, R5186*.
Identifiers: ClinVar variation 557888 (VCV000557888.17), dbSNP rs749452641, ClinGen allele CA1907202.
Genomic context (GRCh38, chr2:151,541,470, plus strand): 5'-ATGCCTGAGTGGCAGGCTTATGAACCTCTGAGCTTACCTGACTCTGAAGCTTCTGCCCTC[G>A]CTTGGCTCTTAAAAGATCAGGAGTATCAGGAACTGAAGTAAAGATTGACTTCTGCTTCTT-3'